The following is an entry in ClinVar:

NM_001040142.2(SCN2A):c.1392T>C (p.Ala464=)

Gene: SCN2A (sodium voltage-gated channel alpha subunit 2; plus strand). Cytogenetic location: 2q24.3.
Variant type: single nucleotide variant.
Coding change: c.1392T>C on transcript NM_001040142.2 (MANE Select); coding-DNA position 1392, T replaced by C.
Protein change: p.Ala464=; no amino-acid change (alanine 464 retained).
Molecular consequence: synonymous variant.
Genome position (GRCh38, 1-based): chr2:165,315,479, T>C. VCF-style: chr2-165315479-T-C. GRCh37 (hg19) VCF-style: chr2-166171989-T-C.
Other names: c.1392T>C, p.Ala464= (NM_001040143.2, NM_001371246.1, NM_001371247.1 and 1 more transcripts).
Identifiers: ClinVar variation 4822786 (VCV004822786.4).

ClinVar aggregate classification (germline): Likely benign (1 of 4 stars; one submission).

Submission:

CeGaT Center for Human Genetics Tuebingen
Classification: Likely benign. Last evaluated: 2026-03-01. Review status: criteria provided, single submitter. Criteria: CeGaT Center For Human Genetics Tuebingen Variant Classification Criteria Version 2. Collection method: clinical testing. Allele origin: germline. Affected: yes. Observed: 1 variant allele.
Comment: SCN2A: PM2:Supporting, BP4, BP7